The following is an entry in ClinVar:

ClinVar aggregate classification (germline): Uncertain significance (1 of 4 stars; one submission).

Conditions:
Hereditary cancer-predisposing syndrome. Also called: Hereditary Cancer Syndrome; Hereditary neoplastic syndrome; Neoplastic Syndromes, Hereditary; Tumor predisposition. Identifiers: Orphanet 140162, MedGen C0027672, MeSH D009386, MONDO:0015356.

Submission:

Ambry Genetics
Classification: Uncertain significance for Hereditary cancer-predisposing syndrome. Last evaluated: 2022-02-18. Review status: criteria provided, single submitter. Criteria: Ambry Variant Classification Scheme 2023. Collection method: clinical testing. Allele origin: germline.
Comment: The p.S346R variant (also known as c.1036A>C), located in coding exon 9 of the SUFU gene, results from an A to C substitution at nucleotide position 1036. The serine at codon 346 is replaced by arginine, an amino acid with dissimilar properties. This amino acid position is highly conserved in available vertebrate species. In addition, the in silico prediction for this alteration is inconclusive. Since supporting evidence is limited at this time, the clinical significance of this alteration remains unclear.

NM_016169.4(SUFU):c.1036A>C (p.Ser346Arg)

Gene: SUFU (SUFU negative regulator of hedgehog signaling; plus strand). Cytogenetic location: 10q24.32.
Variant type: single nucleotide variant.
Coding change: c.1036A>C on transcript NM_016169.4 (MANE Select); coding-DNA position 1036, A replaced by C.
Protein change: p.Ser346Arg; replaces serine 346 with arginine.
Molecular consequence: missense variant.
Genome position (GRCh38, 1-based): chr10:102,615,281, A>C. VCF-style: chr10-102615281-A-C. GRCh37 (hg19) VCF-style: chr10-104375038-A-C.
Other names: c.1036A>C, p.Ser346Arg (NM_001178133.2); short protein forms S346R.
Identifiers: ClinVar variation 1772614 (VCV001772614.2), dbSNP rs2492778369, ClinGen allele CA377913645.
Genomic context (GRCh38, chr10:102,615,281, plus strand): 5'-TGAGCTTTTCACCTTGTGCCGAACCTTTTCCTGTGCTTGCTTCACAGGAGCCGCAAAGAC[A>C]GCCTGGAAAGTGACAGCTCCACGGCCATCATTCCCCATGAGCTGATTCGCACGCGGCAGC-3'
Protein context (NP_057253.2, residues 336-356): AHDRAPSRKD[Ser346Arg]LESDSSTAII